The following is an entry in ClinVar:

ClinVar aggregate classification (germline): Uncertain significance (1 of 4 stars; one submission).

Conditions:
Dilated cardiomyopathy 1O (CMD1O). Also called: CARDIOMYOPATHY, DILATED, WITH VENTRICULAR TACHYCARDIA. Identifiers: Orphanet 154, MedGen C1837839, MONDO:0012062, OMIM 608569.

Allele frequency attached by ClinVar (database versions not stated): gnomAD exomes below 0.00001.
gnomAD v4.1: 2 of 1,610,734 alleles (0.00012%); highest among the groups gnomAD compares: Non-Finnish European, 0.00017%; no homozygotes.

Submission:

Labcorp Genetics (formerly Invitae), Labcorp
Classification: Uncertain significance for Dilated cardiomyopathy 1O. Last evaluated: 2020-09-03. Review status: criteria provided, single submitter. Criteria: Invitae Variant Classification Sherloc (09022015). Collection method: clinical testing. Allele origin: germline.
Comment: In summary, the available evidence is currently insufficient to determine the role of this variant in disease. Therefore, it has been classified as a Variant of Uncertain Significance. Nucleotide substitutions within the consensus splice site are a relatively common cause of aberrant splicing (PMID: 17576681, 9536098). Algorithms developed to predict the effect of sequence changes on RNA splicing suggest that this variant may disrupt the consensus splice site, but this prediction has not been confirmed by published transcriptional studies. This variant has not been reported in the literature in individuals with ABCC9-related conditions. This variant is not present in population databases (ExAC no frequency). This sequence change falls in intron 28 of the ABCC9 gene. It does not directly change the encoded amino acid sequence of the ABCC9 protein, but it affects a nucleotide within the consensus splice site of the intron.

Literature cited by the submitters: PubMed 17576681; PubMed 9536098.

NM_020297.4(ABCC9):c.3567-3C>G

Genes: ABCC9 (ATP binding cassette subfamily C member 9; minus strand), KCNJ8-AS1 (KCNJ8 antisense RNA 1; plus strand). Cytogenetic location: 12p12.1.
Variant type: single nucleotide variant.
Coding change: c.3567-3C>G on transcript NM_020297.4 (MANE Select); 3 bases into the intron before coding-DNA position 3567, C replaced by G.
Molecular consequence: intron variant.
Genome position (GRCh38, 1-based): chr12:21,829,063, G>C on the plus strand (C>G on the coding strand, the complement: ABCC9 is on the minus strand). VCF-style: chr12-21829063-G-C. GRCh37 (hg19) VCF-style: chr12-21981997-G-C.
Other names: c.2700-3C>G (NM_001377274.1); c.3567-3C>G (NM_005691.4, NM_001377273.1).
Identifiers: ClinVar variation 1038030 (VCV001038030.6), dbSNP rs1394825827, ClinGen allele CA603680934.